The following is an entry in ClinVar:

NM_018127.7(ELAC2):c.369A>G (p.Gly123=)

Gene: ELAC2 (elaC ribonuclease Z 2; minus strand). Cytogenetic location: 17p12.
Variant type: single nucleotide variant.
Coding change: c.369A>G on transcript NM_018127.7 (MANE Select); coding-DNA position 369, A replaced by G.
Protein change: p.Gly123=; no amino-acid change (glycine 123 retained).
Molecular consequence: synonymous variant.
Genome position (GRCh38, 1-based): chr17:13,015,831, T>C on the plus strand (A>G on the coding strand, the complement: ELAC2 is on the minus strand). VCF-style: chr17-13015831-T-C. GRCh37 (hg19) VCF-style: chr17-12919148-T-C.
Other names: c.369A>G, p.Gly123= (NM_001165962.2, NM_173717.2).
Identifiers: ClinVar variation 512036 (VCV000512036.8), dbSNP rs143942145, ClinGen allele CA8401688.

ClinVar aggregate classification (germline): Likely benign. Review status: criteria provided, multiple submitters, no conflicts (2 of 4 stars). 2 submissions from 2 submitters: Likely benign (2). Last evaluated 2024-10-15.

Conditions:
Combined oxidative phosphorylation defect type 17. Also called: Combined oxidative phosphorylation deficiency 17. Identifiers: Orphanet 369913, MedGen C3809526, MONDO:0014190, OMIM 615440.

Allele frequency attached by ClinVar (database versions not stated): gnomAD exomes 0.00001; ExAC 0.00002; gnomAD 0.00003 and 0.00004; TOPMed 0.00003; ESP Exome Variant Server 0.00015.
gnomAD v4.1: 45 of 1,613,552 alleles (0.0028%); highest among the groups gnomAD compares: Non-Finnish European, 0.0036%; no homozygotes.

Submissions (2):

Labcorp Genetics (formerly Invitae), Labcorp
Classification: Likely benign for Combined oxidative phosphorylation defect type 17. Last evaluated: 2024-10-15. Review status: criteria provided, single submitter. Criteria: Invitae Variant Classification Sherloc (09022015). Collection method: clinical testing. Allele origin: germline.

GeneDx
Classification: Likely benign. Last evaluated: 2017-09-22. Review status: criteria provided, single submitter. Criteria: GeneDx Variant Classification (06012015). Collection method: clinical testing. Allele origin: germline. Affected: yes.
Comment: This variant is considered likely benign or benign based on one or more of the following criteria: it is a conservative change, it occurs at a poorly conserved position in the protein, it is predicted to be benign by multiple in silico algorithms, and/or has population frequency not consistent with disease.